The following is an entry in ClinVar:

NM_018341.3(ERMARD):c.635C>T (p.Ala212Val)

Gene: ERMARD (ER membrane associated RNA degradation; plus strand). Cytogenetic location: 6q27.
Variant type: single nucleotide variant.
Coding change: c.635C>T on transcript NM_018341.3 (MANE Select); coding-DNA position 635, C replaced by T.
Protein change: p.Ala212Val; replaces alanine 212 with valine.
Molecular consequence: missense variant.
Genome position (GRCh38, 1-based): chr6:169,759,867, C>T. VCF-style: chr6-169759867-C-T. GRCh37 (hg19) VCF-style: chr6-170159963-C-T.
Other names: c.635C>T, p.Ala212Val (NM_001278531.2, NM_001278533.2); c.257C>T, p.Ala86Val (NM_001278532.2, NM_001410957.1); short protein forms A86V, A212V.
Identifiers: ClinVar variation 3669868 (VCV003669868.2).
Genomic context (GRCh38, chr6:169,759,867, plus strand): 5'-TTTTGTAACAGATCTCTATGGTATTTCCTAGATACTGTTCAATGATGATACTGTTGACGG[C>T]AGGATTGGGTCAGTTACTGAAGAGTTACCTTCAAAACACTAAACTTACATTGGCACATCG-3'
Protein context (NP_060811.1, residues 202-222): KYCSMMILLT[Ala212Val]GLGQLLKSYL

ClinVar aggregate classification (germline): Uncertain significance (1 of 4 stars; one submission).

Submission:

Labcorp Genetics (formerly Invitae), Labcorp
Classification: Uncertain significance. Last evaluated: 2024-05-01. Review status: criteria provided, single submitter. Criteria: Invitae Variant Classification Sherloc (09022015). Collection method: clinical testing. Allele origin: germline.
Comment: This sequence change replaces alanine, which is neutral and non-polar, with valine, which is neutral and non-polar, at codon 212 of the ERMARD protein (p.Ala212Val). This variant is not present in population databases (gnomAD no frequency). This variant has not been reported in the literature in individuals affected with ERMARD-related conditions. Advanced modeling of protein sequence and biophysical properties (such as structural, functional, and spatial information, amino acid conservation, physicochemical variation, residue mobility, and thermodynamic stability) performed at Invitae indicates that this missense variant is not expected to disrupt ERMARD protein function with a negative predictive value of 80%. In summary, the available evidence is currently insufficient to determine the role of this variant in disease. Therefore, it has been classified as a Variant of Uncertain Significance.